The following is an entry in ClinVar:

ClinVar aggregate classification (germline): Pathogenic (1 of 4 stars; one submission).

Conditions:
Cohen syndrome (COH1). Also called: Cutis verticis gyrata, retinitis pigmentosa, and sensorineural deafness; PEPPER SYNDROME. Identifiers: Orphanet 193, MedGen C0265223, MONDO:0008999, OMIM 216550.

Submission:

Institute of Human Genetics, University of Leipzig Medical Center
Classification: Pathogenic for Cohen syndrome. Last evaluated: 2022-05-12. Review status: criteria provided, single submitter. Criteria: ACMG Guidelines, 2015. Collection method: clinical testing. Allele origin: maternal. Affected: yes.
Comment: _x000D_This variant was identified as compound heterozygous with NM_017890.5:c.11777_11780del. Criteria applied: PVS1, PM3, PM2_SUP

NM_152564.5(VPS13B):c.4997del (p.Thr1666fs)

Gene: VPS13B (vacuolar protein sorting 13 homolog B; plus strand). Cytogenetic location: 8q22.2.
Variant type: Deletion.
Coding change: c.4997del on transcript NM_152564.5 (MANE Select); coding-DNA position 4997, one base deleted (C; older notation c.4997delC).
Protein change: p.Thr1666fs; shifts the reading frame from threonine 1666.
Molecular consequence: frameshift variant.
Genome position (GRCh38, 1-based): chr8:99,575,705, C deleted. VCF-style (leftmost placement, unchanged base first): chr8-99575704-AC-A. GRCh37 (hg19) VCF-style: chr8-100587932-AC-A.
Other names: c.5072del, p.Thr1691fs (NM_017890.5); short protein forms T1666fs, T1691fs.
Identifiers: ClinVar variation 1691854 (VCV001691854.1), dbSNP rs2133808512, ClinGen allele CA2573143627.
Genomic context (GRCh38, chr8:99,575,704, plus strand): 5'-ACTCTATCTTTTAGCATACGGCGGCATCAAGAAAGGAGAGCAATTTTGACCCCCGTTTTG[AC>A]AGATTTTTCTGTCCGAATAACTGGAGCACCTGCTGTCATTTTCACCAAAGTAGTTTCTCC-3'